The following is an entry in ClinVar:

ClinVar aggregate classification (germline): Conflicting classifications of pathogenicity. Review status: criteria provided, conflicting classifications (1 of 4 stars). 3 submissions from 3 submitters: Uncertain significance (2); Benign (1). Last evaluated 2026-01-05.

Conditions:
Retinal dystrophy. Also called: Inherited retinal dystrophy. Identifiers: Orphanet 71862, MedGen C0854723, MeSH D058499, MONDO:0019118, HP:0000556.

Allele frequency attached by ClinVar (database versions not stated): ExAC 0.00001; gnomAD 0.00001; gnomAD exomes 0.00001; TOPMed 0.00002; ESP Exome Variant Server 0.00008.
gnomAD v4.1: 22 of 1,590,580 alleles (0.0014%); highest among the groups gnomAD compares: East Asian, 0.02%; no homozygotes.

Submissions (3):

Labcorp Genetics (formerly Invitae), Labcorp
Classification: Uncertain significance. Last evaluated: 2026-01-05. Review status: criteria provided, single submitter. Criteria: Invitae Variant Classification Sherloc (09022015). Collection method: clinical testing. Allele origin: germline.
Comment: This sequence change replaces threonine, which is neutral and polar, with methionine, which is neutral and non-polar, at codon 103 of the ARL3 protein (p.Thr103Met). The frequency data for this variant in the population databases is considered unreliable, as metrics indicate poor data quality at this position in the gnomAD database. This variant has not been reported in the literature in individuals affected with ARL3-related conditions. ClinVar contains an entry for this variant (Variation ID: 1503851). An algorithm developed to predict the effect of missense changes on protein structure and function (PolyPhen-2) suggests that this variant is likely to be disruptive. In summary, the available evidence is currently insufficient to determine the role of this variant in disease. Therefore, it has been classified as a Variant of Uncertain Significance.

Dept Of Ophthalmology, Nagoya University
Classification: Benign for Retinal dystrophy. Last evaluated: 2023-10-01. Review status: criteria provided, single submitter. Criteria: Submitter's publication. Collection method: research. Allele origin: germline. Affected: yes.

Blueprint Genetics
Classification: Uncertain significance. Last evaluated: 2020-08-27. Review status: criteria provided, single submitter. Criteria: ACMG Guidelines, 2015. Collection method: clinical testing. Allele origin: germline.

NM_004311.4(ARL3):c.308C>T (p.Thr103Met)

Gene: ARL3 (ARF like GTPase 3; minus strand). Cytogenetic location: 10q24.32.
Variant type: single nucleotide variant.
Coding change: c.308C>T on transcript NM_004311.4 (MANE Select); coding-DNA position 308, C replaced by T.
Protein change: p.Thr103Met; replaces threonine 103 with methionine.
Molecular consequence: missense variant.
Genome position (GRCh38, 1-based): chr10:102,689,900, G>A on the plus strand (C>T on the coding strand, the complement: ARL3 is on the minus strand). VCF-style: chr10-102689900-G-A. GRCh37 (hg19) VCF-style: chr10-104449657-G-A.
Other names: short protein forms T103M.
Identifiers: ClinVar variation 1503851 (VCV001503851.8), dbSNP rs370505468, ClinGen allele CA5668470.